The following is an entry in ClinVar:

NM_005670.4(EPM2A):c.759_760insATGCA (p.Ala254fs)

Gene: EPM2A (EPM2A glucan phosphatase, laforin; minus strand). Cytogenetic location: 6q24.3.
Variant type: Insertion.
Coding change: c.759_760insATGCA on transcript NM_005670.4 (MANE Select); coding-DNA positions 759 to 760, ATGCA inserted.
Protein change: p.Ala254fs; shifts the reading frame from alanine 254.
Molecular consequence: frameshift variant. On other transcripts: non-coding transcript variant (1).
Genome position: GRCh38 VCF-style: chr6-145627652-C-CTGCAT. GRCh37 (hg19) VCF-style: chr6-145948788-C-CTGCAT.
Other names: c.759_760insATGCA, p.Ala254fs (NM_001018041.2); c.517_518insATGCA, p.Cys173fs (NM_001360057.2); c.345_346insATGCA, p.Ala116fs (NM_001360064.2, NM_001360071.2, NM_001368131.1); c.297_298insATGCA, p.Ala100fs (NM_001368129.2, NM_001368132.1); short protein forms A100fs, C173fs, A116fs, A254fs.
Identifiers: ClinVar variation 1418032 (VCV001418032.6), dbSNP rs1775923311, ClinGen allele CA1670236129.

ClinVar aggregate classification (germline): Pathogenic (1 of 4 stars; one submission).

Conditions:
Progressive myoclonic epilepsy. Also called: Myoclonic Epilepsies, Progressive; Familial progressive myoclonic epilepsy; Progressive myoclonus epilepsy; Myoclonus epilepsy. Identifiers: Orphanet 308, Orphanet 98261, MedGen C0751778, MONDO:0020074.

Submission:

Labcorp Genetics (formerly Invitae), Labcorp
Classification: Pathogenic for Progressive myoclonic epilepsy. Last evaluated: 2025-06-15. Review status: criteria provided, single submitter. Criteria: Invitae Variant Classification Sherloc (09022015). Collection method: clinical testing. Allele origin: germline.
Comment: This sequence change creates a premature translational stop signal (p.Ala254Metfs*33) in the EPM2A gene. While this is not anticipated to result in nonsense mediated decay, it is expected to disrupt the last 78 amino acid(s) of the EPM2A protein. This variant is not present in population databases (gnomAD no frequency). This premature translational stop signal has been observed in individual(s) with clinical features of EPM2A-related conditions (PMID: 9931343). ClinVar contains an entry for this variant (Variation ID: 1418032). This variant disrupts a region of the EPM2A protein in which other variant(s) (p.Arg312Profs*19) have been determined to be pathogenic (internal data). This suggests that this is a clinically significant region of the protein, and that variants that disrupt it are likely to be disease-causing. For these reasons, this variant has been classified as Pathogenic.

Literature cited by the submitters: PubMed 9931343.